The following is an entry in ClinVar:

ClinVar aggregate classification (germline): Likely benign. Review status: criteria provided, single submitter (1 of 4 stars). 2 submissions from 2 submitters: Likely benign (1). 1 of the submissions does not count toward it. Last evaluated 2025-01-08.

Conditions:
PCLO-related disorder. Also called: PCLO-related condition.

Allele frequency attached by ClinVar (database versions not stated): TOPMed 0.00002; ExAC 0.00004; gnomAD 0.00004; ESP Exome Variant Server 0.00017.
gnomAD v4.1: 39 of 1,613,652 alleles (0.0024%); highest among the groups gnomAD compares: South Asian, 0.031%; 1 homozygote.

Submissions (2):

Labcorp Genetics (formerly Invitae), Labcorp
Classification: Likely benign. Last evaluated: 2025-01-08. Review status: criteria provided, single submitter. Criteria: Invitae Variant Classification Sherloc (09022015). Collection method: clinical testing. Allele origin: germline.

PreventionGenetics, part of Exact Sciences
Classification: Likely benign for PCLO-related condition. Last evaluated: 2019-08-02. Review status: no assertion criteria provided. Collection method: clinical testing. Allele origin: germline. Not counted in ClinVar's aggregate classification.
Comment: This variant is classified as likely benign based on ACMG/AMP sequence variant interpretation guidelines (Richards et al. 2015 PMID: 25741868, with internal and published modifications).

NM_033026.6(PCLO):c.5892G>A (p.Thr1964=)

Gene: PCLO (piccolo presynaptic cytomatrix protein; minus strand). Cytogenetic location: 7q21.11.
Variant type: single nucleotide variant.
Coding change: c.5892G>A on transcript NM_033026.6 (MANE Select); coding-DNA position 5892, G replaced by A.
Protein change: p.Thr1964=; no amino-acid change (threonine 1964 retained).
Molecular consequence: synonymous variant.
Genome position (GRCh38, 1-based): chr7:82,955,061, C>T on the plus strand (G>A on the coding strand, the complement: PCLO is on the minus strand). VCF-style: chr7-82955061-C-T. GRCh37 (hg19) VCF-style: chr7-82584377-C-T.
Other names: c.5892G>A, p.Thr1964= (NM_014510.3); c.5892G>A (NM_033026.5).
Identifiers: ClinVar variation 2181805 (VCV002181805.6), dbSNP rs375495710, ClinGen allele CA4320567.
Genomic context (GRCh38, chr7:82,955,061, plus strand): 5'-CATAAATCCATTTTCTTCTTCTTGCCTTGTTAGCAGACTGCCATCTACCGATCCATTGTA[C>T]GTGTCTTCTACTAAAGATTCATAAATATAATCCTCTATTAGCATCCCACCATACAAAGGC-3'
Protein context (NP_149015.2, residues 1954-1974): DYIYESLVED[Thr1964=]YNGSVDGSLL